The following is an entry in ClinVar:

ClinVar aggregate classification (germline): Uncertain significance (1 of 4 stars; one submission).

Conditions:
Autosomal recessive limb-girdle muscular dystrophy type 2J (LGMDR10). Also called: Limb-girdle muscular dystrophy, type 2J; MUSCULAR DYSTROPHY, LIMB-GIRDLE, AUTOSOMAL RECESSIVE 10. Identifiers: Orphanet 140922, MedGen C1837342, MONDO:0012127, OMIM 608807.
Dilated cardiomyopathy 1G (CMD1G). Identifiers: Orphanet 154, MedGen C1858763, MONDO:0011400, OMIM 604145.

Submission:

Labcorp Genetics (formerly Invitae), Labcorp
Classification: Uncertain significance for Dilated cardiomyopathy 1G; Limb-girdle muscular dystrophy, type 2J. Last evaluated: 2019-04-26. Review status: criteria provided, single submitter. Criteria: Invitae Variant Classification Sherloc (09022015). Collection method: clinical testing. Allele origin: germline.
Comment: This variant is a gross duplication of the genomic region encompassing exons 243-295 of the TTN gene. While the exact position of the duplicated exons cannot be determined from this data, the duplicated copy of this region is likely in tandem and in-frame, therefore preserving the integrity of the reading frame. This variant has not been reported in the literature in individuals with TTN-related disease. In summary, the available evidence is currently insufficient to determine the role of this variant in disease. Therefore, it has been classified as a Variant of Uncertain Significance.

NC_000002.12:g.(?_178595497)_(178622777_?)dup

Gene: TTN (titin; minus strand). Cytogenetic location: 2q31.2.
Variant type: Duplication.
Identifiers: ClinVar variation 831146 (VCV000831146.1).